The following is an entry in ClinVar:

NM_033159.4(HYAL1):c.674_676delinsCTGTGCCCAAAATGTGCCCATCAGGTCATCA (p.Ile225fs)

Gene: HYAL1 (hyaluronidase 1; minus strand). Cytogenetic location: 3p21.31.
Variant type: Indel.
Coding change: c.674_676delinsCTGTGCCCAAAATGTGCCCATCAGGTCATCA on transcript NM_033159.4 (MANE Select); coding-DNA positions 674 to 676, the reference bases replaced by an inserted sequence.
Protein change: p.Ile225fs; shifts the reading frame from isoleucine 225.
Molecular consequence: frameshift variant. On other transcripts: non-coding transcript variant (1), intron variant (1).
Genome position (GRCh38, 1-based): chr3:50,302,281-50,302,283, 3 bases replaced. GRCh37 (hg19): chr3:50,339,712-50,339,714.
Other names: c.674_676delinsCTGTGCCCAAAATGTGCCCATCAGGTCATCA (NM_153281.1); c.674_676delinsCTGTGCCCAAAATGTGCCCATCAGGTCATCA, p.Ile225fs (NM_153281.2, NM_153282.3); c.128_130delinsCTGTGCCCAAAATGTGCCCATCAGGTCATCA, p.Ile43fs (NM_153283.3); c.-26-78_-26-76delinsCTGTGCCCAAAATGTGCCCATCAGGTCATCA (NM_153285.3); short protein forms I225fs, I43fs.
Identifiers: ClinVar variation 3589453 (VCV003589453.2).

ClinVar aggregate classification (germline): Likely pathogenic. Review status: criteria provided, multiple submitters, no conflicts (2 of 4 stars). 2 submissions from 2 submitters: Likely pathogenic (2). Last evaluated 2024-10-29.

Conditions:
Deficiency of hyaluronoglucosaminidase (MPS9). Also called: Mucopolysaccharidosis type 9; HYALURONIDASE DEFICIENCY; MPS IX. Identifiers: Orphanet 67041, MedGen C1291490, MONDO:0011093, OMIM 601492.

Submissions (2):

Natera, Inc.
Classification: Likely pathogenic for Mucopolysaccharidosis type IX. Last evaluated: 2024-10-29. Review status: criteria provided, single submitter. Criteria: Natera Variant Classification Schema (03/2026). Collection method: clinical testing. Allele origin: germline.
Comment: The c.674_676delinsCTGTGCCCAAAATGTGCCCATCAGGTCATCA variant in HYAL1 is a frameshift variant predicted to shift the reading frame beginning at codon 225 and leads to a stop codon 15 codons downstream. This variant is expected to result in nonsense mediated decay, truncation, or a dysfunctional protein product. This variant is rare in the general population with a frequency below the threshold expected for the associated phenotype(s). Given the available evidence, this variant is classified as Likely Pathogenic.

Fulgent Genetics
Classification: Likely pathogenic for Deficiency of hyaluronoglucosaminidase. Last evaluated: 2024-04-22. Review status: criteria provided, single submitter. Criteria: ACMG Guidelines, 2015. Collection method: clinical testing. Allele origin: germline.